The following is an entry in ClinVar:

ClinVar aggregate classification (germline): Uncertain significance (1 of 4 stars; one submission).

Submission:

Labcorp Genetics (formerly Invitae), Labcorp
Classification: Uncertain significance. Last evaluated: 2025-11-22. Review status: criteria provided, single submitter. Criteria: Invitae Variant Classification Sherloc (09022015). Collection method: clinical testing. Allele origin: germline.
Comment: This sequence change replaces valine, which is neutral and non-polar, with asparagine, which is neutral and polar, at codon 14 of the DTHD1 protein (p.Val14Asn). This variant is present in population databases (no rsID available, gnomAD 0.05%), and has an allele count higher than expected for a pathogenic variant. This variant has not been reported in the literature in individuals affected with DTHD1-related conditions. ClinVar contains an entry for this variant (Variation ID: 936013). An algorithm developed to predict the effect of missense changes on protein structure and function outputs the following: PolyPhen-2: "Benign". The asparagine amino acid residue is found in multiple mammalian species, which suggests that this missense change does not adversely affect protein function. In summary, the available evidence is currently insufficient to determine the role of this variant in disease. Therefore, it has been classified as a Variant of Uncertain Significance.

NM_001170700.3(DTHD1):c.910_911delinsAA (p.Val304Asn)

Gene: DTHD1 (death domain containing 1; plus strand). Cytogenetic location: 4p14.
Variant type: Indel.
Coding change: c.910_911delinsAA on transcript NM_001170700.3 (MANE Select); coding-DNA positions 910 to 911, GT replaced by AA.
Protein change: p.Val304Asn; replaces valine 304 with asparagine.
Molecular consequence: missense variant. On other transcripts: non-coding transcript variant (2).
Genome position (GRCh38, 1-based): chr4:36,290,395-36,290,396, GT replaced by AA. VCF-style: chr4-36290395-GT-AA. GRCh37 (hg19) VCF-style: chr4-36292017-GT-AA.
Other names: c.40_41delinsAA, p.Val14Asn (NM_001136536.5, NM_001378435.1); short protein forms V14N, V304N.
Identifiers: ClinVar variation 936013 (VCV000936013.7), dbSNP rs1755996021, ClinGen allele CA1139658454.
Genomic context (GRCh38, chr4:36,290,395, plus strand): 5'-AAATAATTGGAAAAATGACATTCTTTTTCCCCCTCCAGGTATCTTGATGTGCTGAGTGAT[GT>AA]TACTGGCCCCCAAGTGTCTTGTTATATTACAGCACCATCATATGTTCTACAACAACTAGA-3'
Protein context (NP_001164171.2, residues 294-314): EKEYLDVLSD[Val304Asn]TGPQVSCYIT